The following is an entry in ClinVar:

ClinVar aggregate classification (germline): Uncertain significance. Review status: criteria provided, multiple submitters, no conflicts (2 of 4 stars). 2 submissions from 2 submitters: Uncertain significance (2). Last evaluated 2023-10-09.

Conditions:
Inborn genetic diseases. Identifiers: MedGen C0950123, MeSH D030342.
Glutamate formiminotransferase deficiency. Also called: Arakawa syndrome 1; Formiminoglutamic aciduria. Identifiers: Orphanet 51208, MedGen C0268609, MONDO:0009240, OMIM 229100.

Allele frequency attached by ClinVar (database versions not stated): gnomAD exomes 0.00017 and 0.00007; ESP Exome Variant Server 0.00008; TOPMed 0.00008; ExAC 0.00009; gnomAD 0.00009.

Submissions (2):

Labcorp Genetics (formerly Invitae), Labcorp
Classification: Uncertain significance for Glutamate formiminotransferase deficiency. Last evaluated: 2023-10-09. Review status: criteria provided, single submitter. Criteria: Invitae Variant Classification Sherloc (09022015). Collection method: clinical testing. Allele origin: germline.
Comment: This sequence change replaces cysteine, which is neutral and slightly polar, with tyrosine, which is neutral and polar, at codon 286 of the FTCD protein (p.Cys286Tyr). This variant is present in population databases (rs372299678, gnomAD 0.02%). This missense change has been observed in individual(s) with a positive newborn screening result for FTCD-related disease (Invitae). ClinVar contains an entry for this variant (Variation ID: 656937). Advanced modeling of protein sequence and biophysical properties (such as structural, functional, and spatial information, amino acid conservation, physicochemical variation, residue mobility, and thermodynamic stability) performed at Invitae indicates that this missense variant is not expected to disrupt FTCD protein function. In summary, the available evidence is currently insufficient to determine the role of this variant in disease. Therefore, it has been classified as a Variant of Uncertain Significance.

Ambry Genetics
Classification: Uncertain significance for Inborn genetic diseases. Last evaluated: 2023-09-25. Review status: criteria provided, single submitter. Criteria: Ambry Variant Classification Scheme 2023. Collection method: clinical testing. Allele origin: germline.

NM_206965.2(FTCD):c.857G>A (p.Cys286Tyr)

Gene: FTCD (formimidoyltransferase cyclodeaminase; minus strand). Cytogenetic location: 21q22.3.
Variant type: single nucleotide variant.
Coding change: c.857G>A on transcript NM_206965.2 (MANE Select); coding-DNA position 857, G replaced by A.
Protein change: p.Cys286Tyr; replaces cysteine 286 with tyrosine.
Molecular consequence: missense variant.
Genome position (GRCh38, 1-based): chr21:46,150,168, C>T on the plus strand (G>A on the coding strand, the complement: FTCD is on the minus strand). VCF-style: chr21-46150168-C-T. GRCh37 (hg19) VCF-style: chr21-47570082-C-T.
Other names: c.857G>A, p.Cys286Tyr (NM_001320412.2, NM_006657.3); short protein forms C286Y.
Identifiers: ClinVar variation 656937 (VCV000656937.6), dbSNP rs372299678, ClinGen allele CA10073693.
Genomic context (GRCh38, chr21:46,150,168, plus strand): 5'-GCCCGGCCCACCAGCCTGATCCGCTGCTCCTCCTCCAGGATGAAGAGGTTCTCCTTCTCG[C>T]AGTAGAAGGCGGCCGCATCCAGCAGAGCCTTCAGGGGCACCAGGCCCACCAGCTGTGAGC-3'
Protein context (NP_996848.1, residues 276-296): KALLDAAAFY[Cys286Tyr]EKENLFILEE